The following is an entry in ClinVar:

ClinVar aggregate classification (germline): Uncertain significance (1 of 4 stars; one submission).

Allele frequency attached by ClinVar (database versions not stated): gnomAD exomes 0.00001 and 0.00004; TOPMed 0.00001; gnomAD 0.00003 and 0.00004.
gnomAD v4.1: 69 of 1,614,058 alleles (0.0043%); highest among the groups gnomAD compares: Non-Finnish European, 0.0056%; no homozygotes.

Submission:

Labcorp Genetics (formerly Invitae), Labcorp
Classification: Uncertain significance. Last evaluated: 2021-09-26. Review status: criteria provided, single submitter. Criteria: Invitae Variant Classification Sherloc (09022015). Collection method: clinical testing. Allele origin: germline.
Comment: This sequence change replaces serine with glycine at codon 552 of the LIG1 protein (p.Ser552Gly). The serine residue is moderately conserved and there is a small physicochemical difference between serine and glycine. This variant is not present in population databases (ExAC no frequency). This variant has not been reported in the literature in individuals affected with LIG1-related conditions. Algorithms developed to predict the effect of missense changes on protein structure and function output the following: SIFT: "Tolerated"; PolyPhen-2: "Benign"; Align-GVGD: "Class C0". The glycine amino acid residue is found in multiple mammalian species, which suggests that this missense change does not adversely affect protein function. In summary, the available evidence is currently insufficient to determine the role of this variant in disease. Therefore, it has been classified as a Variant of Uncertain Significance.

NM_000234.3(LIG1):c.1654A>G (p.Ser552Gly)

Gene: LIG1 (DNA ligase 1; minus strand). Cytogenetic location: 19q13.33.
Variant type: single nucleotide variant.
Coding change: c.1654A>G on transcript NM_000234.3 (MANE Select); coding-DNA position 1654, A replaced by G.
Protein change: p.Ser552Gly; replaces serine 552 with glycine.
Molecular consequence: missense variant. On other transcripts: non-coding transcript variant (6).
Genome position (GRCh38, 1-based): chr19:48,133,053, T>C on the plus strand (A>G on the coding strand, the complement: LIG1 is on the minus strand). VCF-style: chr19-48133053-T-C. GRCh37 (hg19) VCF-style: chr19-48636310-T-C.
Other names: c.1561A>G, p.Ser521Gly (NM_001289063.2); c.1450A>G, p.Ser484Gly (NM_001289064.2); c.1651A>G, p.Ser551Gly (NM_001320970.2); c.1564A>G, p.Ser522Gly (NM_001320971.2); short protein forms S484G, S552G, S521G, S522G, S551G.
Identifiers: ClinVar variation 1353702 (VCV001353702.3), dbSNP rs1006063412, ClinGen allele CA309292765.